The following is an entry in ClinVar:

ClinVar aggregate classification (germline): Uncertain significance (1 of 4 stars; one submission).

Allele frequency attached by ClinVar (database versions not stated): gnomAD 0.00001.
gnomAD v4.1: 1 of 1,613,974 alleles (0.000062%); highest among the groups gnomAD compares: Admixed American, 0.0017%; no homozygotes.

Submission:

Labcorp Genetics (formerly Invitae), Labcorp
Classification: Uncertain significance. Last evaluated: 2022-07-03. Review status: criteria provided, single submitter. Criteria: Invitae Variant Classification Sherloc (09022015). Collection method: clinical testing. Allele origin: germline.
Comment: This variant is not present in population databases (gnomAD no frequency). In summary, the available evidence is currently insufficient to determine the role of this variant in disease. Therefore, it has been classified as a Variant of Uncertain Significance. Variants that disrupt the consensus splice site are a relatively common cause of aberrant splicing (PMID: 17576681, 9536098). Algorithms developed to predict the effect of sequence changes on RNA splicing suggest that this variant is not likely to affect RNA splicing. ClinVar contains an entry for this variant (Variation ID: 1396679). This variant has not been reported in the literature in individuals affected with GFM1-related conditions. This sequence change falls in intron 3 of the GFM1 gene. It does not directly change the encoded amino acid sequence of the GFM1 protein. It affects a nucleotide within the consensus splice site.

Literature cited by the submitters: PubMed 17576681; PubMed 9536098.

NM_024996.7(GFM1):c.367+3G>A

Gene: GFM1 (G elongation factor mitochondrial 1; plus strand). Cytogenetic location: 3q25.32.
Variant type: single nucleotide variant.
Coding change: c.367+3G>A on transcript NM_024996.7 (MANE Select); 3 bases into the intron after coding-DNA position 367, G replaced by A.
Molecular consequence: intron variant.
Genome position (GRCh38, 1-based): chr3:158,646,300, G>A. VCF-style: chr3-158646300-G-A. GRCh37 (hg19) VCF-style: chr3-158364089-G-A.
Other names: c.367+3G>A (NM_001308164.2, NM_001374355.1, NM_001374356.1 and 1 more transcripts); c.142+3G>A (NM_001374357.1); c.5+519G>A (NM_001374359.1, NM_001374360.1, NM_001374361.1); c.234+519G>A (NM_001374358.1).
Identifiers: ClinVar variation 1396679 (VCV001396679.6), dbSNP rs1721798070, ClinGen allele CA1055459470.